The following is an entry in ClinVar:

ClinVar aggregate classification (germline): Likely benign. Review status: criteria provided, multiple submitters, no conflicts (2 of 4 stars). 5 submissions from 5 submitters: Likely benign (4). 1 of the submissions does not count toward it. Last evaluated 2025-12-23.

Conditions:
RAD51-related disorder. Also called: RAD51-related disorders; RAD51-related condition.

Allele frequency attached by ClinVar (database versions not stated): TOPMed 0.00054; 1000 Genomes Project 0.00060; 1000 Genomes Project 30x 0.00078; ESP Exome Variant Server 0.00015; gnomAD exomes 0.00016 and 0.00017; ExAC 0.00018; gnomAD 0.00025 and 0.00027.
gnomAD v4.1: 275 of 1,614,010 alleles (0.017%); highest among the groups gnomAD compares: Admixed American, 0.078%; no homozygotes.

Submissions (5):

Labcorp Genetics (formerly Invitae), Labcorp
Classification: Likely benign. Last evaluated: 2025-12-23. Review status: criteria provided, single submitter. Criteria: Invitae Variant Classification Sherloc (09022015). Collection method: clinical testing. Allele origin: germline.

Blueprint Genetics
Classification: Likely benign. Last evaluated: 2024-07-17. Review status: criteria provided, single submitter. Criteria: ACMG Guidelines, 2015. Collection method: clinical testing. Allele origin: germline.

CeGaT Center for Human Genetics Tuebingen
Classification: Likely benign. Last evaluated: 2022-07-01. Review status: criteria provided, single submitter. Criteria: CeGaT Center For Human Genetics Tuebingen Variant Classification Criteria Version 2. Collection method: clinical testing. Allele origin: germline. Affected: yes. Observed: 1 variant allele.
Comment: RAD51: BP4

Breakthrough Genomics
Classification: Likely benign. Review status: criteria provided, single submitter. Criteria: ACMG Guidelines, 2015. Collection method: not provided. Allele origin: germline. Inheritance: Autosomal dominant inheritance. Affected: yes.

PreventionGenetics, part of Exact Sciences
Classification: Likely benign for RAD51-related condition. Last evaluated: 2024-03-27. Review status: no assertion criteria provided. Collection method: clinical testing. Allele origin: germline. Not counted in ClinVar's aggregate classification.
Comment: This variant is classified as likely benign based on ACMG/AMP sequence variant interpretation guidelines (Richards et al. 2015 PMID: 25741868, with internal and published modifications).

NM_002875.5(RAD51):c.720C>G (p.Ala240=)

Gene: RAD51 (RAD51 recombinase; plus strand). Cytogenetic location: 15q15.1.
Variant type: single nucleotide variant.
Coding change: c.720C>G on transcript NM_002875.5 (MANE Select); coding-DNA position 720, C replaced by G.
Protein change: p.Ala240=; no amino-acid change (alanine 240 retained).
Molecular consequence: synonymous variant.
Genome position (GRCh38, 1-based): chr15:40,729,580, C>G. VCF-style: chr15-40729580-C-G. GRCh37 (hg19) VCF-style: chr15-41021778-C-G.
Other names: c.723C>G, p.Ala241= (NM_001164269.2, NM_133487.4); c.720C>G, p.Ala240= (NM_001164270.2); c.723C>G (NM_001164269.1).
Identifiers: ClinVar variation 718568 (VCV000718568.35), dbSNP rs188331342, ClinGen allele CA7484093.